The following is an entry in ClinVar:

ClinVar aggregate classification (germline): Likely benign. Review status: reviewed by expert panel (3 of 4 stars). 19 submissions from 18 submitters: Likely benign (1). 18 of the submissions do not count toward it. Last evaluated 2017-06-29.

Conditions:
Hereditary cancer-predisposing syndrome. Also called: Tumor predisposition; Hereditary neoplastic syndrome; Neoplastic Syndromes, Hereditary; Hereditary Cancer Syndrome. Identifiers: Orphanet 140162, MedGen C0027672, MeSH D009386, MONDO:0015356.
Breast neoplasm. Also called: Neoplasm of the breast; Breast Neoplasms; Neoplasm of breast; Breast tumor. Identifiers: MedGen C1458155, MeSH D001943, MONDO:0021100, HP:0100013. Disease mechanism: gain of function.
Hereditary breast ovarian cancer syndrome. Also called: Hereditary breast and/or ovarian cancer syndrome; Hereditary breast and ovarian cancer syndrome; Hereditary breast and ovarian cancer syndrome (HBOC); Hereditary breast and ovarian cancer; Breast and ovarian cancer; BRCA1- and BRCA2-Associated Hereditary Breast and Ovarian Cancer. Identifiers: Orphanet 145, MedGen C0677776, MeSH D061325, MONDO:0003582. Disease mechanism: loss of function.
Fanconi anemia complementation group D1. Also called: BRCA2-Related Fanconi Anemia. Identifiers: Orphanet 319462, MedGen C1838457, MONDO:0011584, OMIM 605724.
Breast-ovarian cancer, familial, susceptibility to, 2 (BROVCA2). Also called: BRCA2 Hereditary Breast and Ovarian Cancer. Identifiers: Orphanet 145, MedGen C2675520, MONDO:0012933, OMIM 612555. Disease mechanism: loss of function.

Allele frequency attached by ClinVar (database versions not stated): TOPMed 0.00012.
gnomAD v4.1: 81 of 1,614,004 alleles (0.005%); highest among the groups gnomAD compares: East Asian, 0.13%; no homozygotes.

Submissions (19):

Evidence-based Network for the Interpretation of Germline Mutant Alleles (ENIGMA)
Classification: Likely benign for Breast-ovarian cancer, familial, susceptibility to, 2. Last evaluated: 2017-06-29. Review status: reviewed by expert panel. Criteria: ENIGMA BRCA1/2 Classification Criteria (2017-06-29). Collection method: curation. Allele origin: germline.
Comment: Synonymous substitution variant, with low bioinformatic likelihood to result in a splicing aberration (Splicing prior probability 0.02).

German Consortium for Hereditary Breast and Ovarian Cancer, University Hospital Cologne
Classification: Benign for Hereditary breast ovarian cancer syndrome. Last evaluated: 2026-06-09. Review status: criteria provided, single submitter. Criteria: ClinGen BRCA2 1.2.0. Collection method: curation. Allele origin: germline. Not counted in ClinVar's aggregate classification.
Comment: This classification follows the ClinGen ENIGMA BRCA2 v1.2.0 classification scheme; We chose these criteria: BP1 (strong benign): Silent substitution outside a (potentially) clinically important functional domain AND no splicing predicted (SpliceAI =0.01), BS1 (strong benign): FAF in gnomAD v3 non-cancer 0.0006313 which is above 0,01% and in gnomAD v2 non-cancer 0.0003057 and 0.0008758 respectively

Labcorp Genetics (formerly Invitae), Labcorp
Classification: Benign for Hereditary breast ovarian cancer syndrome. Last evaluated: 2026-01-31. Review status: criteria provided, single submitter. Criteria: Invitae Variant Classification Sherloc (09022015). Collection method: clinical testing. Allele origin: germline. Not counted in ClinVar's aggregate classification.

Dasa
Classification: Benign for Breast-ovarian cancer, familial, susceptibility to, 2. Last evaluated: 2025-10-29. Review status: criteria provided, single submitter. Criteria: DASA Assertion Criteria. Collection method: clinical testing. Allele origin: germline. Not counted in ClinVar's aggregate classification.
Comment: NM_000059.4(BRCA2):c.7188G>A (p.Leu2396=) is interpreted as benign based on a combination of available evidence, which may include population frequency, observations in unaffected individuals, intact protein function, lack of segregation with disease, in silico models, amino acid conservation, lack of disease association in case-control studies, and/or inconsistency with the known disease mechanism or impacted region. Based on the available data, this variant is classified as benign.

Center for Genomic Medicine, Rigshospitalet, Copenhagen University Hospital
Classification: Likely benign. Last evaluated: 2025-03-04. Review status: criteria provided, single submitter. Criteria: ACMG Guidelines, 2015. Collection method: clinical testing. Allele origin: germline. Not counted in ClinVar's aggregate classification.

Blueprint Genetics
Classification: Benign. Last evaluated: 2024-10-09. Review status: criteria provided, single submitter. Criteria: ACMG Guidelines, 2015. Collection method: clinical testing. Allele origin: germline. Not counted in ClinVar's aggregate classification.

All of Us Research Program, National Institutes of Health
Classification: Likely benign for Breast-ovarian cancer, familial, susceptibility to, 2. Last evaluated: 2023-12-18. Review status: criteria provided, single submitter. Criteria: ACMG Guidelines, 2015. Collection method: clinical testing. Allele origin: germline. Inheritance: Autosomal dominant inheritance. Observed: 5 variant alleles, 5 heterozygotes. Not counted in ClinVar's aggregate classification.
Comment: This study involves interpretation of variants in research participants for the purpose of population health screening. Participant phenotype was not available at the time of variant classification. Additional details can be found in publication PMID: 35346344, PMCID: PMC8962531

Sema4
Classification: Likely benign for Hereditary cancer-predisposing syndrome. Last evaluated: 2021-12-10. Review status: criteria provided, single submitter. Criteria: Sema4 Curation Guidelines. Collection method: curation. Allele origin: germline. Not counted in ClinVar's aggregate classification.

Quest Diagnostics Nichols Institute San Juan Capistrano
Classification: Benign. Last evaluated: 2020-10-22. Review status: criteria provided, single submitter. Criteria: Quest Diagnostics criteria. Collection method: clinical testing. Allele origin: unknown. Not counted in ClinVar's aggregate classification.

Women's Health and Genetics/Laboratory Corporation of America, LabCorp
Classification: Likely benign. Last evaluated: 2018-10-08. Review status: criteria provided, single submitter. Criteria: LabCorp Variant Classification Summary - May 2015. Collection method: clinical testing. Allele origin: germline. Not counted in ClinVar's aggregate classification.
Comment: Variant summary: BRCA2 c.7188G>A results in a synonymous change. 5/5 computational tools predict no significant impact on normal splicing. However, these predictions have yet to be confirmed by functional studies. The variant allele was found at a frequency of 9e-05 in 277378 control chromosomes, predominantly at a frequency of 0.00079 within the East Asian subpopulation in the gnomAD database. The observed variant frequency within East Asian control individuals in the gnomAD database is approximately the same or slightly above (1.053 fold) the estimated maximal expected allele frequency for a pathogenic variant in BRCA2 causing Hereditary Breast and Ovarian Cancer phenotype (0.00075), strongly suggesting that the variant is a benign polymorphism found primarily in populations of East Asian origin. c.7188G>A has been reported in the literature in individuals affected with Breast Cancer. These report(s) do not provide unequivocal conclusions about association of the variant with Hereditary Breast and Ovarian Cancer. To our knowledge, no experimental evidence demonstrating an impact on protein function has been reported. Six clinical diagnostic laboratories have submitted clinical-significance assessments for this variant to ClinVar after 2014 without evidence for independent evaluation. Five of these six submitters have classified this variant as Likely Benign. Based on the evidence outlined above, the variant was classified as likely benign.

Genetic Services Laboratory, University of Chicago
Classification: Likely benign. Last evaluated: 2018-05-01. Review status: criteria provided, single submitter. Criteria: ACMG Guidelines, 2015. Collection method: clinical testing. Allele origin: germline. Affected: no. Not counted in ClinVar's aggregate classification.

Illumina Laboratory Services, Illumina
Classification: Uncertain significance for Fanconi anemia complementation group D1. Last evaluated: 2018-01-12. Review status: criteria provided, single submitter. Criteria: ICSL Variant Classification Criteria 13 December 2019. Collection method: clinical testing. Allele origin: germline. Not counted in ClinVar's aggregate classification.

Illumina Laboratory Services, Illumina
Classification: Uncertain significance for Breast-ovarian cancer, familial, susceptibility to, 2. Last evaluated: 2018-01-12. Review status: criteria provided, single submitter. Criteria: ICSL Variant Classification Criteria 13 December 2019. Collection method: clinical testing. Allele origin: germline. Not counted in ClinVar's aggregate classification.

Color Diagnostics, LLC DBA Color Health
Classification: Likely benign for Hereditary cancer-predisposing syndrome. Last evaluated: 2016-08-05. Review status: criteria provided, single submitter. Criteria: ACMG Guidelines, 2015. Collection method: clinical testing. Allele origin: germline. Not counted in ClinVar's aggregate classification.

Laboratory of Molecular Diagnosis of Cancer, West China Hospital, Sichuan University
Classification: Uncertain significance for Breast neoplasm. Last evaluated: 2015-11-01. Review status: criteria provided, single submitter. Criteria: ACMG Guidelines, 2015. Collection method: research. Allele origin: germline. Affected: yes. Observed: 3 variant alleles. Not counted in ClinVar's aggregate classification.

Ambry Genetics
Classification: Likely benign for Hereditary cancer-predisposing syndrome. Last evaluated: 2014-10-28. Review status: criteria provided, single submitter. Criteria: Ambry Variant Classification Scheme 2023. Collection method: clinical testing. Allele origin: germline. Not counted in ClinVar's aggregate classification.

GeneDx
Classification: Benign. Last evaluated: 2014-02-04. Review status: criteria provided, single submitter. Criteria: GeneDx Variant Classification (06012015). Collection method: clinical testing. Allele origin: germline. Affected: yes. Not counted in ClinVar's aggregate classification.
Comment: This variant is considered likely benign or benign based on one or more of the following criteria: it is a conservative change, it occurs at a poorly conserved position in the protein, it is predicted to be benign by multiple in silico algorithms, and/or has population frequency not consistent with disease.

Counsyl
Classification: Likely benign for Breast-ovarian cancer, familial, susceptibility to, 2. Last evaluated: 2016-08-09. Review status: no assertion criteria provided. Collection method: clinical testing. Allele origin: unknown. Not counted in ClinVar's aggregate classification.

Department of Pathology and Laboratory Medicine, Sinai Health System
Classification: Likely benign. Review status: no assertion criteria provided. Collection method: clinical testing. Allele origin: unknown. Affected: yes. Observed: 1 variant allele. Study: The Canadian Open Genetics Repository (COGR). Not counted in ClinVar's aggregate classification.

Literature cited by the submitters: PubMed 27257965 (cited by Quest Diagnostics Nichols Institute San Juan Capistrano and Laboratory of Molecular Diagnosis of Cancer, West China Hospital, Sichuan University); PubMed 30702160 (cited by Quest Diagnostics Nichols Institute San Juan Capistrano); PubMed 28179634 (cited by Quest Diagnostics Nichols Institute San Juan Capistrano); PubMed 16949048 (cited by Quest Diagnostics Nichols Institute San Juan Capistrano); PubMed 17100994 (cited by Quest Diagnostics Nichols Institute San Juan Capistrano).

NM_000059.4(BRCA2):c.7188G>A (p.Leu2396=)

Gene: BRCA2 (BRCA2 DNA repair associated; plus strand). Cytogenetic location: 13q13.1.
Variant type: single nucleotide variant.
Coding change: c.7188G>A on transcript NM_000059.4 (MANE Select); coding-DNA position 7188, G replaced by A.
Protein change: p.Leu2396=; no amino-acid change (leucine 2396 retained).
Molecular consequence: synonymous variant.
Genome position (GRCh38, 1-based): chr13:32,355,041, G>A. VCF-style: chr13-32355041-G-A. GRCh37 (hg19) VCF-style: chr13-32929178-G-A.
Other names: p.L2396L:TTG>TTA.
Identifiers: ClinVar variation 136567 (VCV000136567.35), dbSNP rs587780871, ClinGen allele CA024943.
Genomic context (GRCh38, chr13:32,355,041, plus strand): 5'-AGTTTCAGGACATCCATTTTATCAAGTTTCTGCTACAAGAAATGAAAAAATGAGACACTT[G>A]ATTACTACAGGCAGACCAACCAAAGTCTTTGTTCCACCTTTTAAAACTAAATCACATTTT-3'
Protein context (NP_000050.3, residues 2386-2406): SATRNEKMRH[Leu2396=]ITTGRPTKVF